The following is an entry in ClinVar:

NM_002270.4(TNPO1):c.916C>T (p.Pro306Ser)

Gene: TNPO1 (transportin 1; plus strand). Cytogenetic location: 5q13.2.
Variant type: single nucleotide variant.
Coding change: c.916C>T on transcript NM_002270.4 (MANE Select); coding-DNA position 916, C replaced by T.
Protein change: p.Pro306Ser; replaces proline 306 with serine.
Molecular consequence: missense variant.
Genome position (GRCh38, 1-based): chr5:72,877,342, C>T. VCF-style: chr5-72877342-C-T. GRCh37 (hg19) VCF-style: chr5-72173169-C-T.
Other names: c.892C>T, p.Pro298Ser (NM_001364292.3, NM_001364293.3, NM_001364294.3 and 1 more transcripts); c.766C>T, p.Pro256Ser (NM_001364295.3); short protein forms P256S, P298S, P306S.
Identifiers: ClinVar variation 3042536 (VCV003042536.2), dbSNP rs200584417, ClinGen allele CA3301369.

ClinVar aggregate classification (germline): Benign (0 of 4 stars; one submission).

Conditions:
TNPO1-related disorder. Also called: TNPO1-related condition.

Allele frequency attached by ClinVar (database versions not stated): gnomAD exomes 0.00025; gnomAD 0.00040; ExAC 0.00064; 1000 Genomes Project 30x 0.00172; 1000 Genomes Project 0.00180.
gnomAD v4.1: 471 of 1,556,558 alleles (0.03%); highest among the groups gnomAD compares: East Asian, 0.82%; 2 homozygotes.

Submission:

PreventionGenetics, part of Exact Sciences
Classification: Benign for TNPO1-related condition. Last evaluated: 2019-11-25. Review status: no assertion criteria provided. Collection method: clinical testing. Allele origin: germline.
Comment: This variant is classified as benign based on ACMG/AMP sequence variant interpretation guidelines (Richards et al. 2015 PMID: 25741868, with internal and published modifications).